The following is an entry in ClinVar:

ClinVar aggregate classification (germline): Uncertain significance. Review status: criteria provided, multiple submitters, no conflicts (2 of 4 stars). 2 submissions from 2 submitters: Uncertain significance (2). Last evaluated 2025-08-13.

Conditions:
Familial meningioma. Also called: Meningioma, familial, susceptibility to. Identifiers: Orphanet 263662, MedGen C3551915, MONDO:0011789, OMIM 607174.
Hereditary cancer-predisposing syndrome. Also called: Hereditary Cancer Syndrome; Neoplastic Syndromes, Hereditary; Tumor predisposition; Hereditary neoplastic syndrome. Identifiers: Orphanet 140162, MedGen C0027672, MeSH D009386, MONDO:0015356.

Submissions (2):

Ambry Genetics
Classification: Uncertain significance for Hereditary cancer-predisposing syndrome. Last evaluated: 2025-08-13. Review status: criteria provided, single submitter. Criteria: Ambry Variant Classification Scheme 2023. Collection method: clinical testing. Allele origin: germline.
Comment: The c.760_762delGAG variant (also known as p.E254del) is located in coding exon 8 of the SMARCE1 gene. This variant results from an in-frame GAG deletion at nucleotide positions 760 to 762. This results in the in-frame deletion of a glutamic acid at codon 254. This amino acid position is not well conserved in available vertebrate species. In addition, this variant is predicted to be deleterious by in silico analysis (Choi Y et al. PLoS ONE. 2012; 7(10):e46688). Based on the available evidence, the clinical significance of this variant remains unclear.

Labcorp Genetics (formerly Invitae), Labcorp
Classification: Uncertain significance for Familial meningioma. Last evaluated: 2023-12-24. Review status: criteria provided, single submitter. Criteria: Invitae Variant Classification Sherloc (09022015). Collection method: clinical testing. Allele origin: germline.
Comment: This variant, c.760_762del, results in the deletion of 1 amino acid(s) of the SMARCE1 protein (p.Glu254del), but otherwise preserves the integrity of the reading frame. This variant is not present in population databases (gnomAD no frequency). This variant has not been reported in the literature in individuals affected with SMARCE1-related conditions. ClinVar contains an entry for this variant (Variation ID: 2160900). Experimental studies and prediction algorithms are not available or were not evaluated, and the functional significance of this variant is currently unknown. In summary, the available evidence is currently insufficient to determine the role of this variant in disease. Therefore, it has been classified as a Variant of Uncertain Significance.

NM_003079.5(SMARCE1):c.760_762del (p.Glu254del)

Gene: SMARCE1 (SWI/SNF related BAF chromatin remodeling complex subunit E1; minus strand). Cytogenetic location: 17q21.2.
Variant type: Deletion.
Coding change: c.760_762del on transcript NM_003079.5 (MANE Select); coding-DNA positions 760 to 762, 3 bases deleted (GAG; older notation c.760_762delGAG).
Protein change: p.Glu254del; deletes glutamic acid 254.
Molecular consequence: inframe deletion.
Genome position (GRCh38, 1-based): chr17:40,631,646-40,631,648, CTC deleted on the plus strand (GAG on the coding strand, the reverse complement: SMARCE1 is on the minus strand); deleting any 3 consecutive bases within chr17:40,631,646-40,631,650 gives the same sequence; the c. name uses the placement nearest the transcript's 3' end. VCF-style (leftmost placement, unchanged base first): chr17-40631645-TCTC-T. GRCh37 (hg19) VCF-style: chr17-38787897-TCTC-T.
Other names: c.760_762delGAG (NM_003079.4); short protein forms E254del.
Identifiers: ClinVar variation 2160900 (VCV002160900.5), dbSNP rs2037096773, ClinGen allele CA2259641751.